The following is an entry in ClinVar:

NM_030632.3(ASXL3):c.2075C>A (p.Ala692Glu)

Gene: ASXL3 (ASXL transcriptional regulator 3; plus strand). Cytogenetic location: 18q12.1.
Variant type: single nucleotide variant.
Coding change: c.2075C>A on transcript NM_030632.3 (MANE Select); coding-DNA position 2075, C replaced by A.
Protein change: p.Ala692Glu; replaces alanine 692 with glutamic acid.
Molecular consequence: missense variant.
Genome position (GRCh38, 1-based): chr18:33,739,479, C>A. VCF-style: chr18-33739479-C-A. GRCh37 (hg19) VCF-style: chr18-31319443-C-A.
Other names: short protein forms A692E.
Identifiers: ClinVar variation 3032494 (VCV003032494.2), dbSNP rs893950008, ClinGen allele CA297787236.

ClinVar aggregate classification (germline): Uncertain significance (0 of 4 stars; one submission).

Conditions:
ASXL3-related disorder. Also called: ASXL3-related condition. Identifiers: MedGen CN381524.

Allele frequency attached by ClinVar (database versions not stated): TOPMed 0.00001.
gnomAD v4.1: 7 of 1,613,810 alleles (0.00043%); highest among the groups gnomAD compares: Non-Finnish European, 0.00051%; no homozygotes.

Submission:

PreventionGenetics, part of Exact Sciences
Classification: Uncertain significance for ASXL3-related condition. Last evaluated: 2024-02-15. Review status: no assertion criteria provided. Collection method: clinical testing. Allele origin: germline.
Comment: The ASXL3 c.2075C>A variant is predicted to result in the amino acid substitution p.Ala692Glu. To our knowledge, this variant has not been reported in the literature or in a large population database, indicating this variant is rare. Although we suspect that this variant may be benign, at this time, the clinical significance of this variant is uncertain due to the absence of conclusive functional and genetic evidence.